The following is an entry in ClinVar:

ClinVar aggregate classification (germline): Benign. Review status: criteria provided, multiple submitters, no conflicts (2 of 4 stars). 3 submissions from 3 submitters: Benign (2). 1 of the submissions does not count toward it. Last evaluated 2017-10-19.

Conditions:
MYOF-related disorder. Also called: MYOF-related condition.

Allele frequency attached by ClinVar (database versions not stated): gnomAD exomes 0.00090 and 0.00238; ExAC 0.00276; 1000 Genomes Project 0.00839; gnomAD 0.00891 and 0.00961; ESP Exome Variant Server 0.00894; 1000 Genomes Project 30x 0.00921; TOPMed 0.01025.
gnomAD v4.1: 2,738 of 1,613,932 alleles (0.17%); highest among the groups gnomAD compares: African/African-American, 3.2%; 42 homozygotes.

Submissions (3):

Labcorp Genetics (formerly Invitae), Labcorp
Classification: Benign. Last evaluated: 2017-10-19. Review status: criteria provided, single submitter. Criteria: Invitae Variant Classification Sherloc (09022015). Collection method: clinical testing. Allele origin: germline.

Breakthrough Genomics
Classification: Benign. Review status: criteria provided, single submitter. Criteria: ACMG Guidelines, 2015. Collection method: not provided. Allele origin: germline. Inheritance: Autosomal dominant inheritance. Affected: yes.

PreventionGenetics, part of Exact Sciences
Classification: Benign for MYOF-related condition. Last evaluated: 2024-07-03. Review status: no assertion criteria provided. Collection method: clinical testing. Allele origin: germline. Not counted in ClinVar's aggregate classification.
Comment: This variant is classified as benign based on ACMG/AMP sequence variant interpretation guidelines (Richards et al. 2015 PMID: 25741868, with internal and published modifications).

NM_013451.4(MYOF):c.4603G>A (p.Val1535Met)

Gene: MYOF (myoferlin; minus strand). Cytogenetic location: 10q23.33.
Variant type: single nucleotide variant.
Coding change: c.4603G>A on transcript NM_013451.4 (MANE Select); coding-DNA position 4603, G replaced by A.
Protein change: p.Val1535Met; replaces valine 1535 with methionine.
Molecular consequence: missense variant.
Genome position (GRCh38, 1-based): chr10:93,333,874, C>T on the plus strand (G>A on the coding strand, the complement: MYOF is on the minus strand). VCF-style: chr10-93333874-C-T. GRCh37 (hg19) VCF-style: chr10-95093631-C-T.
Other names: c.4564G>A, p.Val1522Met (NM_133337.3); short protein forms V1535M, V1522M.
Identifiers: ClinVar variation 776526 (VCV000776526.6), dbSNP rs34676128, ClinGen allele CA5606978.
Genomic context (GRCh38, chr10:93,333,874, plus strand): 5'-CCGTGCATTCCTGTGGGACGCTGTCAGGTAATTCCCGAAACTGTCTGGGAGGGGCTGGCA[C>T]GCTGGGGTCATCCGGCAGAGGGTAGATCCGAAAGGAGCCCTAAAAGAGAGAGACAGAAGG-3'
Protein context (NP_038479.1, residues 1525-1545): RIYPLPDDPS[Val1535Met]PAPPRQFREL